The following is an entry in ClinVar:

ClinVar aggregate classification (germline): Uncertain significance. Review status: criteria provided, multiple submitters, no conflicts (2 of 4 stars). 2 submissions from 2 submitters: Uncertain significance (2). Last evaluated 2019-09-27.

Conditions:
Central core myopathy (CMYO1A). Also called: CONGENITAL MYOPATHY 1A, AUTOSOMAL DOMINANT, WITH SUSCEPTIBILITY TO MALIGNANT HYPERTHERMIA; Central core disease; Myopathy, central fibrillar. Identifiers: Orphanet 597, MedGen C5830701, MONDO:0007294, OMIM 117000.
Malignant hyperthermia, susceptibility to, 1 (MHS1). Also called: RYR1-Related Malignant Hyperthermia Susceptibility; Anesthesia related hyperthermia; Malignant hyperpyrexia; Fulminating hyperpyrexia; Pharmacogenic myopathy; Malignant hyperthermia suceptibility 1. Identifiers: Orphanet 423, MedGen C2930980, MONDO:0007783, OMIM 145600.

Submissions (2):

GeneDx
Classification: Uncertain significance. Last evaluated: 2019-09-27. Review status: criteria provided, single submitter. Criteria: GeneDx Variant Classification Process June 2021. Collection method: clinical testing. Allele origin: germline. Affected: yes.
Comment: Not observed in large population cohorts (Lek et al., 2016); In silico analysis, which includes protein predictors and evolutionary conservation, supports a deleterious effect; Has not been previously published as pathogenic or benign to our knowledge

Geisinger Autism and Developmental Medicine Institute, Geisinger Health System
Classification: Uncertain significance for Central core myopathy; Malignant hyperthermia, susceptibility to, 1. Last evaluated: 2017-10-04. Review status: criteria provided, single submitter. Criteria: ACMG Guidelines, 2015. Collection method: provider interpretation, clinical testing. Allele origin: paternal. Observed: 1 variant allele.
Comment: This variant is absent from the gnomAD database and computational models predict the variant to be damaging. This variant has not been reported previously in the literature, to our knowledge. A second likely pathogenic variant was identified in trans, but clinical correlation with recessive RYR1-related disorders was thought to be poor.

NM_000540.3(RYR1):c.3823A>G (p.Thr1275Ala)

Gene: RYR1 (ryanodine receptor 1; plus strand). Cytogenetic location: 19q13.2.
Variant type: single nucleotide variant.
Coding change: c.3823A>G on transcript NM_000540.3 (MANE Select); coding-DNA position 3823, A replaced by G.
Protein change: p.Thr1275Ala; replaces threonine 1275 with alanine.
Molecular consequence: missense variant.
Genome position (GRCh38, 1-based): chr19:38,473,434, A>G. VCF-style: chr19-38473434-A-G. GRCh37 (hg19) VCF-style: chr19-38964074-A-G.
Other names: c.3823A>G, p.Thr1275Ala (NM_001042723.2); short protein forms T1275A.
Identifiers: ClinVar variation 560260 (VCV000560260.5), dbSNP rs1568469574, ClinGen allele CA405641574.